The following is an entry in ClinVar:

NM_004958.4(MTOR):c.6601_6622del (p.Leu2201fs)

Gene: MTOR (mechanistic target of rapamycin kinase; minus strand). Cytogenetic location: 1p36.22.
Variant type: Deletion.
Coding change: c.6601_6622del on transcript NM_004958.4 (MANE Select); coding-DNA positions 6601 to 6622, 22 bases deleted (CTCTTCGGCCTGGTTAACACCC).
Protein change: p.Leu2201fs; shifts the reading frame from leucine 2201.
Molecular consequence: frameshift variant.
Genome position (GRCh38, 1-based): chr1:11,124,538-11,124,559, GGGTGTTAACCAGGCCGAAGAG deleted on the plus strand (CTCTTCGGCCTGGTTAACACCC on the coding strand, the reverse complement: MTOR is on the minus strand). VCF-style (leftmost placement, unchanged base first): chr1-11124537-AGGGTGTTAACCAGGCCGAAGAG-A. GRCh37 (hg19) VCF-style: chr1-11184594-AGGGTGTTAACCAGGCCGAAGAG-A.
Other names: c.6601_6622del, p.Leu2201fs (NM_001386500.1); c.5353_5374del, p.Leu1785fs (NM_001386501.1); c.6601_6622del22, p.Leu2201Phefs (NM_004958.3); short protein forms L1785fs, L2201fs.
Identifiers: ClinVar variation 3364824 (VCV003364824.1).
Genomic context (GRCh38, chr1:11,124,537, plus strand): 5'-CATTTCAGGGTTTCTGAATACCTGAGGTTTTTCCGAAGAGATGTTGGGTCATTGGCCAGA[AGGGTGTTAACCAGGCCGAAGAG>A]CTGCATCACACGCTCATCCTGGCGCAGATCTTCATGGCCTTTTAGAAGGAAAACAAACTC-3'

ClinVar aggregate classification (germline): Uncertain significance (1 of 4 stars; one submission).

Submission:

GeneDx
Classification: Uncertain significance. Last evaluated: 2023-11-30. Review status: criteria provided, single submitter. Criteria: GeneDx Variant Classification Process June 2021. Collection method: clinical testing. Allele origin: germline. Affected: yes.
Comment: Not observed at significant frequency in large population cohorts (gnomAD); Has not been previously published as pathogenic or benign to our knowledge; Frameshift variant predicted to result in protein truncation or nonsense mediated decay in a gene for which loss-of-function is not a known mechanism of disease